The following is an entry in ClinVar:

NM_000521.4(HEXB):c.1550_1553dup (p.Asp518fs)

Gene: HEXB (hexosaminidase subunit beta; plus strand). Cytogenetic location: 5q13.3.
Variant type: Duplication.
Coding change: c.1550_1553dup on transcript NM_000521.4 (MANE Select); coding-DNA positions 1550 to 1553, 4 bases duplicated (AAGA; older notation c.1550_1553dupAAGA).
Protein change: p.Asp518fs; shifts the reading frame from aspartic acid 518.
Molecular consequence: frameshift variant.
Genome position (GRCh38, 1-based): chr5:74,720,684-74,720,687, AAGA duplicated; duplicating any 4 consecutive bases within chr5:74,720,683-74,720,687 gives the same sequence; the c. name uses the placement nearest the transcript's 3' end. VCF-style (leftmost placement, unchanged base first): chr5-74720682-C-CAAAG. GRCh37 (hg19) VCF-style: chr5-74016507-C-CAAAG.
Other names: c.875_878dup, p.Asp293fs (NM_001292004.2); short protein forms D293fs, D518fs.
Identifiers: ClinVar variation 4814285 (VCV004814285.3).

ClinVar aggregate classification (germline): Pathogenic/Likely pathogenic. Review status: criteria provided, multiple submitters, no conflicts (2 of 4 stars). 2 submissions from 2 submitters: Pathogenic (1); Likely pathogenic (1). Last evaluated 2026-01-22.

Conditions:
Sandhoff disease. Also called: Beta-hexosaminidase-beta-subunit deficiency; GM2 gangliosidosis, type 2; Total hexosaminidase deficiency; Sandhoff-Jatzkewitz-Pilz disease; GM2-GANGLIOSIDOSIS, TYPE II; HEXOSAMINIDASES A AND B DEFICIENCY. Identifiers: Orphanet 796, MedGen C0036161, MONDO:0010006, OMIM 268800.

Submissions (2):

Natera, Inc.
Classification: Likely pathogenic for Sandhoff disease. Last evaluated: 2026-01-22. Review status: criteria provided, single submitter. Criteria: Natera Variant Classification Schema (03/2026). Collection method: clinical testing. Allele origin: germline.
Comment: The c.1550_1553dupAAGA variant in HEXB is a frameshift variant predicted to shift the reading frame beginning at codon 518 and leads to a stop codon 8 codons downstream. This variant is expected to result in nonsense mediated decay, truncation, or a dysfunctional protein product. This variant is rare in the general population with a frequency below the threshold expected for the associated phenotype(s). This variant has been observed in one or more individuals affected with the associated recessive disease, as either homozygous or compound heterozygous with a second variant (PMID: 26582265, 36964972). Given the available evidence, this variant is classified as Likely Pathogenic.

Juno Genomics, Hangzhou Juno Genomics, Inc
Classification: Pathogenic for Sandhoff disease. Review status: criteria provided, single submitter. Criteria: ACMG Guidelines, 2015. Collection method: clinical testing. Allele origin: germline.
Comment: Absent from controls (or at extremely low frequency if recessive) in Genome Aggregation Database.;Null variant in a gene where loss of function (LOF) is a known mechanism of disease.;For recessive disorders, detected in trans with a pathogenic variant.;Patient's phenotype or family history is highly specific for a disease with a single genetic etiology.

Literature cited by the submitters: PubMed 26582265 (cited by Natera, Inc.); PubMed 36964972 (cited by Natera, Inc.).